The following is an entry in ClinVar:

ClinVar aggregate classification (germline): Conflicting classifications of pathogenicity. Review status: criteria provided, conflicting classifications (1 of 4 stars). 8 submissions from 8 submitters: Uncertain significance (1); Benign (3); Likely benign (4). Last evaluated 2025-12-19.

Conditions:
Episodic ataxia type 2 (EA2). Also called: ACETAZOLAMIDE-RESPONSIVE HEREDITARY PAROXYSMAL CEREBELLAR ATAXIA; ATAXIA, EPISODIC, WITH NYSTAGMUS; ATAXIA, FAMILIAL PAROXYSMAL; CEREBELLAR ATAXIA, PAROXYSMAL, ACETAZOLAMIDE-RESPONSIVE; CEREBELLOPATHY, HEREDITARY PAROXYSMAL; EPISODIC ATAXIA, NYSTAGMUS-ASSOCIATED. Identifiers: Orphanet 97, MedGen C1720416, MONDO:0007163, OMIM 108500.
Developmental and epileptic encephalopathy, 42 (DEE42A). Also called: Epileptic encephalopathy, early infantile, 42; DEVELOPMENTAL AND EPILEPTIC ENCEPHALOPATHY 42A; EPILEPTIC ENCEPHALOPATHY, EARLY INFANTILE, 42A. Identifiers: MedGen C4310716, MONDO:0014917, OMIM 617106.
Inborn genetic diseases. Identifiers: MedGen C0950123, MeSH D030342.

Allele frequency attached by ClinVar (database versions not stated): 1000 Genomes Project 30x 0.00016; 1000 Genomes Project 0.00020; gnomAD exomes 0.00035 and 0.00046; ESP Exome Variant Server 0.00041; ExAC 0.00051; TOPMed 0.00052; gnomAD 0.00054 and 0.00057.

Submissions (8):

Labcorp Genetics (formerly Invitae), Labcorp
Classification: Benign for Developmental and epileptic encephalopathy, 42; Episodic ataxia type 2. Last evaluated: 2025-12-19. Review status: criteria provided, single submitter. Criteria: Invitae Variant Classification Sherloc (09022015). Collection method: clinical testing. Allele origin: germline.

Mayo Clinic Laboratories, Mayo Clinic
Classification: Likely benign. Last evaluated: 2025-04-21. Review status: criteria provided, single submitter. Criteria: ACMG Guidelines, 2015. Collection method: clinical testing. Allele origin: germline. Observed: 1 variant allele.
Comment: BS1, BP4, BP7

Blueprint Genetics
Classification: Likely benign. Last evaluated: 2024-11-25. Review status: criteria provided, single submitter. Criteria: ACMG Guidelines, 2015. Collection method: clinical testing. Allele origin: germline.

CeGaT Center for Human Genetics Tuebingen
Classification: Likely benign. Last evaluated: 2023-09-01. Review status: criteria provided, single submitter. Criteria: CeGaT Center For Human Genetics Tuebingen Variant Classification Criteria Version 2. Collection method: clinical testing. Allele origin: germline. Affected: yes. Observed: 3 variant alleles.
Comment: CACNA1A: BP4, BP7, BS1

GeneDx
Classification: Benign. Last evaluated: 2019-08-19. Review status: criteria provided, single submitter. Criteria: GeneDx Variant Classification Process June 2021. Collection method: clinical testing. Allele origin: germline. Affected: yes.

Ambry Genetics
Classification: Likely benign for Inborn genetic diseases. Last evaluated: 2019-04-03. Review status: criteria provided, single submitter. Criteria: Ambry Variant Classification Scheme 2023. Collection method: clinical testing. Allele origin: germline.

Athena Diagnostics
Classification: Benign. Last evaluated: 2017-04-25. Review status: criteria provided, single submitter. Criteria: Athena Diagnostics Criteria. Collection method: clinical testing. Allele origin: germline.

Eurofins Ntd Llc (ga)
Classification: Uncertain significance. Last evaluated: 2014-05-19. Review status: criteria provided, single submitter. Criteria: EGL Classification Definitions 2015. Collection method: clinical testing. Allele origin: germline. Observed: 1 variant allele, 1 heterozygote.

NM_001127222.2(CACNA1A):c.3309C>T (p.Pro1103=)

Gene: CACNA1A (calcium voltage-gated channel subunit alpha1 A; minus strand). Cytogenetic location: 19p13.13.
Variant type: single nucleotide variant.
Coding change: c.3309C>T on transcript NM_001127222.2 (MANE Select); coding-DNA position 3309, C replaced by T.
Protein change: p.Pro1103=; no amino-acid change (proline 1103 retained).
Molecular consequence: synonymous variant.
Genome position (GRCh38, 1-based): chr19:13,286,747, G>A on the plus strand (C>T on the coding strand, the complement: CACNA1A is on the minus strand). VCF-style: chr19-13286747-G-A. GRCh37 (hg19) VCF-style: chr19-13397561-G-A.
Other names: p.Pro1104=; c.3321C>T, p.Pro1107= (NM_000068.4, NM_023035.3); c.3312C>T, p.Pro1104= (NM_001127221.2, NM_001174080.2).
Identifiers: ClinVar variation 195472 (VCV000195472.46), dbSNP rs374749004, ClinGen allele CA241914.